The following is an entry in ClinVar:

NM_001371623.1(TCOF1):c.1128C>A (p.Ala376=)

Gene: TCOF1 (treacle ribosome biogenesis factor 1; plus strand). Cytogenetic location: 5q32.
Variant type: single nucleotide variant.
Coding change: c.1128C>A on transcript NM_001371623.1 (MANE Select); coding-DNA position 1128, C replaced by A.
Protein change: p.Ala376=; no amino-acid change (alanine 376 retained).
Molecular consequence: synonymous variant.
Genome position (GRCh38, 1-based): chr5:150,374,661, C>A. VCF-style: chr5-150374661-C-A. GRCh37 (hg19) VCF-style: chr5-149754224-C-A.
Other names: c.897C>A, p.Ala299= (NM_000356.4, NM_001135245.2); c.1128C>A, p.Ala376= (NM_001008657.3, NM_001135243.2, NM_001135244.2 and 1 more transcripts).
Identifiers: ClinVar variation 2854481 (VCV002854481.5), dbSNP rs149825269, ClinGen allele CA3510769.
Genomic context (GRCh38, chr5:150,374,661, plus strand): 5'-TGTCTTGTTTCTCCAGGCGAAGGCCTCAGGAAAAACCTCTCAGGTCGGAGCTGCCTCAGC[C>A]CCTGCCAAGGAGTCCCCCAGGAAAGGAGCTGCCCCAGCGCCCCCTGGGAAGACAGGGCCT-3'
Protein context (NP_001358552.1, residues 366-386): GKTSQVGAAS[Ala376=]PAKESPRKGA

ClinVar aggregate classification (germline): Likely benign. Review status: criteria provided, single submitter (1 of 4 stars). 2 submissions from 2 submitters: Likely benign (1). 1 of the submissions does not count toward it. Last evaluated 2025-12-16.

Conditions:
TCOF1-related disorder. Also called: TCOF1-related condition.
Treacher Collins syndrome 1 (TCS1). Also called: TCOF1-Related Treacher Collins Syndrome. Identifiers: Orphanet 861, MedGen CN315775, MONDO:0007944, OMIM 154500.

Allele frequency attached by ClinVar (database versions not stated): ESP Exome Variant Server 0.00008.
gnomAD v4.1: 54 of 1,613,852 alleles (0.0033%); highest among the groups gnomAD compares: Non-Finnish European, 0.0043%; no homozygotes.

Submissions (2):

Labcorp Genetics (formerly Invitae), Labcorp
Classification: Likely benign for Treacher Collins syndrome 1. Last evaluated: 2025-12-16. Review status: criteria provided, single submitter. Criteria: Invitae Variant Classification Sherloc (09022015). Collection method: clinical testing. Allele origin: germline.

PreventionGenetics, part of Exact Sciences
Classification: Likely benign for TCOF1-related condition. Last evaluated: 2019-09-09. Review status: no assertion criteria provided. Collection method: clinical testing. Allele origin: germline. Not counted in ClinVar's aggregate classification.
Comment: This variant is classified as likely benign based on ACMG/AMP sequence variant interpretation guidelines (Richards et al. 2015 PMID: 25741868, with internal and published modifications).